The following is an entry in ClinVar:

NM_024529.5(CDC73):c.1351G>A (p.Ala451Thr)

Gene: CDC73 (cell division cycle 73; plus strand). Cytogenetic location: 1q31.2.
Variant type: single nucleotide variant.
Coding change: c.1351G>A on transcript NM_024529.5 (MANE Select); coding-DNA position 1351, G replaced by A.
Protein change: p.Ala451Thr; replaces alanine 451 with threonine.
Molecular consequence: missense variant.
Genome position (GRCh38, 1-based): chr1:193,236,290, G>A. VCF-style: chr1-193236290-G-A. GRCh37 (hg19) VCF-style: chr1-193205420-G-A.
Other names: short protein forms A451T.
Identifiers: ClinVar variation 462746 (VCV000462746.10), dbSNP rs1553291414, ClinGen allele CA344078161.

ClinVar aggregate classification (germline): Uncertain significance. Review status: criteria provided, multiple submitters, no conflicts (2 of 4 stars). 2 submissions from 2 submitters: Uncertain significance (2). Last evaluated 2026-04-25.

Conditions:
Hereditary cancer-predisposing syndrome. Also called: Hereditary Cancer Syndrome; Tumor predisposition; Hereditary neoplastic syndrome; Neoplastic Syndromes, Hereditary. Identifiers: Orphanet 140162, MedGen C0027672, MeSH D009386, MONDO:0015356.
Parathyroid carcinoma (PRTC). Also called: CDC73-Related Parathyroid Carcinoma; Parathyroid gland carcinoma. Identifiers: Orphanet 143, MedGen C0687150, MONDO:0012004, OMIM 608266, HP:0006780.

Allele frequency attached by ClinVar (database versions not stated): gnomAD 0.00001.

Submissions (2):

Ambry Genetics
Classification: Uncertain significance for Hereditary cancer-predisposing syndrome. Last evaluated: 2026-04-25. Review status: criteria provided, single submitter. Criteria: Ambry Variant Classification Scheme 2023. Collection method: clinical testing. Allele origin: germline.
Comment: The p.A451T variant (also known as c.1351G>A), located in coding exon 15 of the CDC73 gene, results from a G to A substitution at nucleotide position 1351. The alanine at codon 451 is replaced by threonine, an amino acid with similar properties. This amino acid position is conserved. In addition, this alteration is predicted to be tolerated by in silico analysis. Based on the available evidence, the clinical significance of this variant remains unclear.

Labcorp Genetics (formerly Invitae), Labcorp
Classification: Uncertain significance for Parathyroid carcinoma. Last evaluated: 2023-12-06. Review status: criteria provided, single submitter. Criteria: Invitae Variant Classification Sherloc (09022015). Collection method: clinical testing. Allele origin: germline.
Comment: This sequence change replaces alanine, which is neutral and non-polar, with threonine, which is neutral and polar, at codon 451 of the CDC73 protein (p.Ala451Thr). This variant is not present in population databases (gnomAD no frequency). This variant has not been reported in the literature in individuals affected with CDC73-related conditions. ClinVar contains an entry for this variant (Variation ID: 462746). Advanced modeling of protein sequence and biophysical properties (such as structural, functional, and spatial information, amino acid conservation, physicochemical variation, residue mobility, and thermodynamic stability) performed at Invitae indicates that this missense variant is not expected to disrupt CDC73 protein function with a negative predictive value of 80%. In summary, the available evidence is currently insufficient to determine the role of this variant in disease. Therefore, it has been classified as a Variant of Uncertain Significance.